The following is an entry in ClinVar:

ClinVar aggregate classification (germline): Uncertain significance. Review status: criteria provided, multiple submitters, no conflicts (2 of 4 stars). 2 submissions from 2 submitters: Uncertain significance (2). Last evaluated 2025-01-23.

Conditions:
Neuroblastoma, susceptibility to, 3. Also called: ALK-Related Neuroblastic Tumor Susceptibility. Identifiers: Orphanet 635, MedGen C2751681, MONDO:0013083, OMIM 613014.
Hereditary cancer-predisposing syndrome. Also called: Neoplastic Syndromes, Hereditary; Tumor predisposition; Hereditary Cancer Syndrome; Hereditary neoplastic syndrome. Identifiers: Orphanet 140162, MedGen C0027672, MeSH D009386, MONDO:0015356.

Allele frequency attached by ClinVar (database versions not stated): gnomAD exomes below 0.00001; ExAC 0.00001.
gnomAD v4.1: 2 of 1,613,556 alleles (0.00012%); highest among the groups gnomAD compares: East Asian, 0.0022%; no homozygotes.

Submissions (2):

Ambry Genetics
Classification: Uncertain significance for Hereditary cancer-predisposing syndrome. Last evaluated: 2025-01-23. Review status: criteria provided, single submitter. Criteria: Ambry Variant Classification Scheme 2023. Collection method: clinical testing. Allele origin: germline.

Labcorp Genetics (formerly Invitae), Labcorp
Classification: Uncertain significance for Neuroblastoma, susceptibility to, 3. Last evaluated: 2024-10-23. Review status: criteria provided, single submitter. Criteria: Invitae Variant Classification Sherloc (09022015). Collection method: clinical testing. Allele origin: germline.
Comment: This sequence change replaces valine, which is neutral and non-polar, with methionine, which is neutral and non-polar, at codon 1040 of the ALK protein (p.Val1040Met). The frequency data for this variant in the population databases is considered unreliable, as metrics indicate poor data quality at this position in the gnomAD database. This variant has not been reported in the literature in individuals affected with ALK-related conditions. ClinVar contains an entry for this variant (Variation ID: 538199). An algorithm developed to predict the effect of missense changes on protein structure and function (PolyPhen-2) suggests that this variant is likely to be disruptive. In summary, the available evidence is currently insufficient to determine the role of this variant in disease. Therefore, it has been classified as a Variant of Uncertain Significance.

NM_004304.5(ALK):c.3118G>A (p.Val1040Met)

Gene: ALK (ALK receptor tyrosine kinase; minus strand). Cytogenetic location: 2p23.2.
Variant type: single nucleotide variant.
Coding change: c.3118G>A on transcript NM_004304.5 (MANE Select); coding-DNA position 3118, G replaced by A.
Protein change: p.Val1040Met; replaces valine 1040 with methionine.
Molecular consequence: missense variant.
Genome position (GRCh38, 1-based): chr2:29,225,515, C>T on the plus strand (G>A on the coding strand, the complement: ALK is on the minus strand). VCF-style: chr2-29225515-C-T. GRCh37 (hg19) VCF-style: chr2-29448381-C-T.
Other names: short protein forms V1040M.
Identifiers: ClinVar variation 538199 (VCV000538199.10), dbSNP rs763143588, ClinGen allele CA1594070.